The following is an entry in ClinVar:

NM_005866.4(SIGMAR1):c.496C>T (p.Pro166Ser)

Gene: SIGMAR1 (sigma receptor chaperone 1; minus strand). Cytogenetic location: 9p13.3.
Variant type: single nucleotide variant.
Coding change: c.496C>T on transcript NM_005866.4 (MANE Select); coding-DNA position 496, C replaced by T.
Protein change: p.Pro166Ser; replaces proline 166 with serine.
Molecular consequence: missense variant. On other transcripts: 3 prime UTR variant (2), non-coding transcript variant (1), intron variant (1).
Genome position (GRCh38, 1-based): chr9:34,635,808, G>A on the plus strand (C>T on the coding strand, the complement: SIGMAR1 is on the minus strand). VCF-style: chr9-34635808-G-A. GRCh37 (hg19) VCF-style: chr9-34635805-G-A.
Other names: c.196C>T, p.Pro66Ser (NM_001282206.2); c.436C>T, p.Pro146Ser (NM_001282207.2); c.*39C>T (NM_001282208.2); c.*23C>T (NM_001282209.2); c.403C>T, p.Pro135Ser (NM_147157.3); c.446-168C>T (NM_001282205.2); short protein forms P135S, P146S, P166S, P66S.
Identifiers: ClinVar variation 1516369 (VCV001516369.8), dbSNP rs1411120179, ClinGen allele CA373272696.

ClinVar aggregate classification (germline): Uncertain significance (1 of 4 stars; one submission).

Conditions:
Autosomal recessive distal spinal muscular atrophy 2. Also called: NEUROPATHY, DISTAL HEREDITARY MOTOR, AUTOSOMAL RECESSIVE 2; NEURONOPATHY, DISTAL HEREDITARY MOTOR, JERASH TYPE; NEUROPATHY, DISTAL HEREDITARY MOTOR, JERASH TYPE; SPINAL MUSCULAR ATROPHY, JERASH TYPE; Hereditary motor neuropathy, Jerash type; Motor neuropathy, distal, Jerash type. Identifiers: Orphanet 139552, MedGen C1854023, MONDO:0011585, OMIM 605726.
Amyotrophic lateral sclerosis type 16. Also called: AMYOTROPHIC LATERAL SCLEROSIS 16, JUVENILE. Identifiers: Orphanet 300605, MedGen C3280587, MONDO:0013715, OMIM 614373.

Allele frequency attached by ClinVar (database versions not stated): gnomAD 0.00001.

Submission:

Labcorp Genetics (formerly Invitae), Labcorp
Classification: Uncertain significance for Autosomal recessive distal spinal muscular atrophy 2; Amyotrophic lateral sclerosis type 16. Last evaluated: 2021-04-29. Review status: criteria provided, single submitter. Criteria: Invitae Variant Classification Sherloc (09022015). Collection method: clinical testing. Allele origin: germline.
Comment: In summary, the available evidence is currently insufficient to determine the role of this variant in disease. Therefore, it has been classified as a Variant of Uncertain Significance. Algorithms developed to predict the effect of missense changes on protein structure and function (SIFT, PolyPhen-2, Align-GVGD) all suggest that this variant is likely to be tolerated, but these predictions have not been confirmed by published functional studies and their clinical significance is uncertain. This variant has not been reported in the literature in individuals with SIGMAR1-related conditions. This variant is not present in population databases (ExAC no frequency). This sequence change replaces proline with serine at codon 166 of the SIGMAR1 protein (p.Pro166Ser). The proline residue is moderately conserved and there is a moderate physicochemical difference between proline and serine.